The following is an entry in ClinVar:

ClinVar aggregate classification (germline): Likely pathogenic (1 of 4 stars; one submission).

Conditions:
Fabry disease. Also called: Fabry's disease; Angiokeratoma corporis diffusum; ALPHA-GALACTOSIDASE A DEFICIENCY; ANDERSON-FABRY DISEASE; CERAMIDE TRIHEXOSIDASE DEFICIENCY; GLA DEFICIENCY. Identifiers: Orphanet 324, MedGen C0002986, MONDO:0010526, OMIM 301500, HP:0001071. Disease mechanism: loss of function, Fabry disease is due to inactivating mutations in the X-linked GLA gene resulting in deficiency of the enzyme Alpha Galactosidase-A..

Submission:

Labcorp Genetics (formerly Invitae), Labcorp
Classification: Likely pathogenic for Fabry disease. Last evaluated: 2017-11-04. Review status: criteria provided, single submitter. Criteria: Invitae Variant Classification Sherloc (09022015). Collection method: clinical testing. Allele origin: germline.
Comment: Donor and acceptor splice site variants typically lead to a loss of protein function (PMID: 16199547), and loss-of-function variants in GLA are known to be pathogenic (PMID: 10666480, 12175777). Algorithms developed to predict the effect of sequence changes on RNA splicing suggest that this variant may disrupt the consensus splice site, but this prediction has not been confirmed by published transcriptional studies. This variant has not been reported in the literature in individuals with GLA-related disease. This variant is not present in population databases (ExAC no frequency). This sequence change affects an acceptor splice site in intron 4 of the GLA gene. It is expected to disrupt RNA splicing and likely results in an absent or disrupted protein product. In summary, the currently available evidence indicates that the variant is pathogenic, but additional data are needed to prove that conclusively. Therefore, this variant has been classified as Likely Pathogenic.

Literature cited by the submitters: PubMed 16199547; PubMed 10666480; PubMed 12175777.

NM_000169.3(GLA):c.640-1del

Genes: GLA (galactosidase alpha; minus strand), RPL36A-HNRNPH2 (RPL36A-HNRNPH2 readthrough; plus strand). Cytogenetic location: Xq22.1.
Variant type: Deletion.
Coding change: c.640-1del on transcript NM_000169.3 (MANE Select); the canonical splice acceptor site of the intron before coding-DNA position 640, one base deleted (G; older notation c.640-1delG).
Molecular consequence: splice acceptor variant. On other transcripts: intron variant (2).
Genome position (GRCh38, 1-based): chrX:101,398,947, C deleted on the plus strand (G on the coding strand, the reverse complement: GLA is on the minus strand). VCF-style (leftmost placement, unchanged base first): chrX-101398946-GC-G. GRCh37 (hg19) VCF-style: chrX-100653934-GC-G.
Other names: c.300+3490del (NM_001199973.2); c.177+7125del (NM_001199974.2); c.763-1del (NM_001406747.1); c.640-1del (NM_001406748.1); c.640-1delG (NM_000169.2).
Identifiers: ClinVar variation 524214 (VCV000524214.7), dbSNP rs1555985200, ClinGen allele CA658799814.